The following is an entry in ClinVar:

NM_000256.3(MYBPC3):c.3112G>T (p.Val1038Leu)

Gene: MYBPC3 (myosin binding protein C3; minus strand). Cytogenetic location: 11p11.2.
Variant type: single nucleotide variant.
Coding change: c.3112G>T on transcript NM_000256.3 (MANE Select); coding-DNA position 3112, G replaced by T.
Protein change: p.Val1038Leu; replaces valine 1038 with leucine.
Molecular consequence: missense variant.
Genome position (GRCh38, 1-based): chr11:47,333,635, C>A on the plus strand (G>T on the coding strand, the complement: MYBPC3 is on the minus strand). VCF-style: chr11-47333635-C-A. GRCh37 (hg19) VCF-style: chr11-47355186-C-A.
Other names: short protein forms V1038L.
Identifiers: ClinVar variation 4754710 (VCV004754710.1).

ClinVar aggregate classification (germline): Uncertain significance (1 of 4 stars; one submission).

Conditions:
Hypertrophic cardiomyopathy. Also called: HYPERTROPHIC MYOCARDIOPATHY. Identifiers: Orphanet 217569, MedGen C0007194, MeSH D002312, MONDO:0005045, HP:0001639.

Submission:

Labcorp Genetics (formerly Invitae), Labcorp
Classification: Uncertain significance for Hypertrophic cardiomyopathy. Last evaluated: 2025-12-31. Review status: criteria provided, single submitter. Criteria: Invitae Variant Classification Sherloc (09022015). Collection method: clinical testing. Allele origin: germline.
Comment: This sequence change replaces valine, which is neutral and non-polar, with leucine, which is neutral and non-polar, at codon 1038 of the MYBPC3 protein (p.Val1038Leu). This variant is not present in population databases (gnomAD no frequency). This variant has not been reported in the literature in individuals affected with MYBPC3-related conditions. An algorithm developed to predict the effect of missense changes on protein structure and function (PolyPhen-2) suggests that this variant is likely to be tolerated. In summary, the available evidence is currently insufficient to determine the role of this variant in disease. Therefore, it has been classified as a Variant of Uncertain Significance.